The following is an entry in ClinVar:

NM_001081.4(CUBN):c.8411-3C>T

Gene: CUBN (cubilin; minus strand). Cytogenetic location: 10p13.
Variant type: single nucleotide variant.
Coding change: c.8411-3C>T on transcript NM_001081.4 (MANE Select); 3 bases into the intron before coding-DNA position 8411, C replaced by T.
Molecular consequence: intron variant.
Genome position (GRCh38, 1-based): chr10:16,899,186, G>A on the plus strand (C>T on the coding strand, the complement: CUBN is on the minus strand). VCF-style: chr10-16899186-G-A. GRCh37 (hg19) VCF-style: chr10-16941185-G-A.
Identifiers: ClinVar variation 2015440 (VCV002015440.4), dbSNP rs1387518193, ClinGen allele CA662294468.

ClinVar aggregate classification (germline): Uncertain significance (1 of 4 stars; one submission).

Conditions:
Imerslund-Grasbeck syndrome. Also called: ENTEROCYTE COBALAMIN MALABSORPTION; ENTEROCYTE INTRINSIC FACTOR RECEPTOR, DEFECT OF; PERNICIOUS ANEMIA, JUVENILE, DUE TO SELECTIVE INTESTINAL MALABSORPTION OF VITAMIN B12, WITH PROTEINURIA; Megaloblastic anemia due to inborn errors of metabolism; Imerslund-Gräsbeck syndrome. Identifiers: Orphanet 35858, MedGen C4551825, MONDO:0009853.

Allele frequency attached by ClinVar (database versions not stated): gnomAD exomes below 0.00001; TOPMed below 0.00001.
gnomAD v4.1: 5 of 1,612,412 alleles (0.00031%); highest among the groups gnomAD compares: Non-Finnish European, 0.00034%; no homozygotes.

Submission:

Labcorp Genetics (formerly Invitae), Labcorp
Classification: Uncertain significance for Imerslund-Grasbeck syndrome. Last evaluated: 2024-04-10. Review status: criteria provided, single submitter. Criteria: Invitae Variant Classification Sherloc (09022015). Collection method: clinical testing. Allele origin: germline.
Comment: This sequence change falls in intron 53 of the CUBN gene. It does not directly change the encoded amino acid sequence of the CUBN protein. It affects a nucleotide within the consensus splice site. This variant is not present in population databases (gnomAD no frequency). This variant has not been reported in the literature in individuals affected with CUBN-related conditions. ClinVar contains an entry for this variant (Variation ID: 2015440). Variants that disrupt the consensus splice site are a relatively common cause of aberrant splicing (PMID: 17576681, 9536098). Algorithms developed to predict the effect of sequence changes on RNA splicing suggest that this variant is not likely to affect RNA splicing. In summary, the available evidence is currently insufficient to determine the role of this variant in disease. Therefore, it has been classified as a Variant of Uncertain Significance.

Literature cited by the submitters: PubMed 17576681; PubMed 9536098.